The following is an entry in ClinVar:

ClinVar aggregate classification (germline): Likely benign. Review status: criteria provided, multiple submitters, no conflicts (2 of 4 stars). 2 submissions from 2 submitters: Likely benign (2). Last evaluated 2020-03-16.

Conditions:
Inborn genetic diseases. Identifiers: MedGen C0950123, MeSH D030342.

Allele frequency attached by ClinVar (database versions not stated): gnomAD exomes below 0.00001; TOPMed 0.00001; gnomAD 0.00002.

Submissions (2):

Ambry Genetics
Classification: Likely benign for Inborn genetic diseases. Last evaluated: 2020-03-16. Review status: criteria provided, single submitter. Criteria: Ambry Variant Classification Scheme 2023. Collection method: clinical testing. Allele origin: germline.

GeneDx
Classification: Likely benign. Last evaluated: 2017-09-14. Review status: criteria provided, single submitter. Criteria: GeneDx Variant Classification (06012015). Collection method: clinical testing. Allele origin: germline. Affected: yes.
Comment: This variant is considered likely benign or benign based on one or more of the following criteria: it is a conservative change, it occurs at a poorly conserved position in the protein, it is predicted to be benign by multiple in silico algorithms, and/or has population frequency not consistent with disease.

NM_020774.4(MIB1):c.597T>C (p.Asn199=)

Gene: MIB1 (MIB E3 ubiquitin protein ligase 1; plus strand). Cytogenetic location: 18q11.2.
Variant type: single nucleotide variant.
Coding change: c.597T>C on transcript NM_020774.4 (MANE Select); coding-DNA position 597, T replaced by C.
Protein change: p.Asn199=; no amino-acid change (asparagine 199 retained).
Molecular consequence: synonymous variant.
Genome position (GRCh38, 1-based): chr18:21,773,689, T>C. VCF-style: chr18-21773689-T-C. GRCh37 (hg19) VCF-style: chr18-19353650-T-C.
Identifiers: ClinVar variation 512065 (VCV000512065.3), dbSNP rs1323108897, ClinGen allele CA503289245.